The following is an entry in ClinVar:

ClinVar aggregate classification (germline): Likely pathogenic (1 of 4 stars; one submission).

Conditions:
Maple syrup urine disease (MSUD). Identifiers: Orphanet 511, MedGen C0024776, MeSH D008375, MONDO:0009563. Disease mechanism: loss of function.

Submission:

Myriad Genetics, Inc.
Classification: Likely pathogenic for Maple syrup urine disease type 1A. Last evaluated: 2020-02-01. Review status: criteria provided, single submitter. Criteria: Myriad Women's Health Autosomal Recessive and X-Linked Classification Criteria (2019). Collection method: clinical testing. Allele origin: unknown.
Comment: NM_000709.3(BCKDHA):c.585C>A(Y195*) is expected to be pathogenic in the context of maple syrup urine disease type Ia. This variant is predicted to lead to an abnormal or absent protein product due to the creation of a premature termination codon in BCKDHA, a gene where loss-of-function variants are known to be pathogenic. Please note: this variant was assessed in the context of healthy population screening.

NM_000709.4(BCKDHA):c.585C>A (p.Tyr195Ter)

Gene: BCKDHA (branched chain keto acid dehydrogenase E1 subunit alpha; plus strand). Cytogenetic location: 19q13.2.
Variant type: single nucleotide variant.
Coding change: c.585C>A on transcript NM_000709.4 (MANE Select); coding-DNA position 585, C replaced by A.
Protein change: p.Tyr195Ter; replaces tyrosine 195 with a stop codon.
Molecular consequence: nonsense.
Genome position (GRCh38, 1-based): chr19:41,419,235, C>A. VCF-style: chr19-41419235-C-A. GRCh37 (hg19) VCF-style: chr19-41925140-C-A.
Other names: c.585C>A, p.Tyr195Ter (NM_001164783.2); short protein forms Y195*.
Identifiers: ClinVar variation 983562 (VCV000983562.3), dbSNP rs575806482, ClinGen allele CA406010977.
Genomic context (GRCh38, chr19:41,419,235, plus strand): 5'-GGCCCAGTGCTATGGCAACATCAGTGACTTGGGCAAGGGGCGCCAGATGCCTGTCCACTA[C>A]GGCTGCAAGGAACGCCACTTCGTCACTATCTCCTCTCCACTGGCCACGCAGATCCCTCAG-3'